The following is an entry in ClinVar:

ClinVar aggregate classification (germline): Likely benign. Review status: criteria provided, multiple submitters, no conflicts (2 of 4 stars). 2 submissions from 2 submitters: Likely benign (2). Last evaluated 2024-12-18.

Conditions:
Infantile-onset ascending hereditary spastic paralysis (IAHSP). Also called: Infantile-Onset Ascending Hereditary Spastic Paralysis (IAHSP); Autosomal Recessive Juvenile Amyotrophic Lateral Sclerosis. Identifiers: Orphanet 293168, MedGen C2931441, MONDO:0011797, OMIM 607225. Disease mechanism: loss of function.
ALS2-related disorder. Also called: ALS2-related condition; ALS2-related disorders; ALS2-Related Spectrum Disorders. Identifiers: MedGen CN169291.

Allele frequency attached by ClinVar (database versions not stated): gnomAD exomes 0.00003 and 0.00011; ExAC 0.00014; TOPMed 0.00036; gnomAD 0.00044 and 0.00045; ESP Exome Variant Server 0.00051; 1000 Genomes Project 0.00060; 1000 Genomes Project 30x 0.00078.
gnomAD v4.1: 114 of 1,613,930 alleles (0.0071%); highest among the groups gnomAD compares: African/African-American, 0.12%; no homozygotes.

Submissions (2):

PreventionGenetics, part of Exact Sciences
Classification: Likely benign for ALS2-related condition. Last evaluated: 2024-12-18. Review status: criteria provided, single submitter. Criteria: ACMG Guidelines, 2015. Collection method: clinical testing. Allele origin: germline.
Comment: This variant is classified as likely benign based on ACMG/AMP sequence variant interpretation guidelines (Richards et al. 2015 PMID: 25741868, with internal and published modifications).

Labcorp Genetics (formerly Invitae), Labcorp
Classification: Likely benign for Infantile-onset ascending hereditary spastic paralysis. Last evaluated: 2024-11-23. Review status: criteria provided, single submitter. Criteria: Invitae Variant Classification Sherloc (09022015). Collection method: clinical testing. Allele origin: germline.

NM_020919.4(ALS2):c.2520A>C (p.Pro840=)

Gene: ALS2 (alsin Rho guanine nucleotide exchange factor ALS2; minus strand). Cytogenetic location: 2q33.1.
Variant type: single nucleotide variant.
Coding change: c.2520A>C on transcript NM_020919.4 (MANE Select); coding-DNA position 2520, A replaced by C.
Protein change: p.Pro840=; no amino-acid change (proline 840 retained).
Molecular consequence: synonymous variant.
Genome position (GRCh38, 1-based): chr2:201,733,336, T>G on the plus strand (A>C on the coding strand, the complement: ALS2 is on the minus strand). VCF-style: chr2-201733336-T-G. GRCh37 (hg19) VCF-style: chr2-202598059-T-G.
Other names: c.2520A>C (NM_020919.3).
Identifiers: ClinVar variation 1096911 (VCV001096911.10), dbSNP rs201159691, ClinGen allele CA2058164.